The following is an entry in ClinVar:

ClinVar aggregate classification (germline): Likely benign (0 of 4 stars; one submission).

Conditions:
ELOA3P-related condition.

Submission:

PreventionGenetics, part of Exact Sciences
Classification: Likely benign for ELOA3P-related condition. Last evaluated: 2020-10-21. Review status: no assertion criteria provided. Collection method: clinical testing. Allele origin: germline.
Comment: This variant is classified as likely benign based on ACMG/AMP sequence variant interpretation guidelines (Richards et al. 2015 PMID: 25741868, with internal and published modifications).

NM_001387690.1(KATNAL2):c.52-17901T>C

Gene: KATNAL2 (katanin catalytic subunit A1 like 2; plus strand). Cytogenetic location: 18q21.1.
Variant type: single nucleotide variant.
Coding change: c.52-17901T>C on transcript NM_001387690.1 (MANE Select); 17901 bases into the intron before coding-DNA position 52, T replaced by C.
Molecular consequence: intron variant.
Genome position (GRCh38, 1-based): chr18:47,028,556, T>C. VCF-style: chr18-47028556-T-C. GRCh37 (hg19) VCF-style: chr18-44554927-T-C.
Other names: NM_145653.3:c.1287A>G; c.-1-29679T>C (NM_001353904.1, NM_001353903.1, NM_001353907.1 and 3 more transcripts); c.130-17901T>C (NM_001353899.1, NM_001353900.1, NM_001353902.1); c.52-17901T>C (NM_001353901.1, NM_001367621.1); c.-294-17901T>C (NM_001353905.1); c.-94-24324T>C (NM_031303.3).
Identifiers: ClinVar variation 3352660 (VCV003352660.1).